The following is an entry in ClinVar:

NM_001267550.2(TTN):c.79976G>C (p.Gly26659Ala)

Genes: TTN (titin; minus strand), TTN-AS1 (TTN antisense RNA 1; plus strand). Cytogenetic location: 2q31.2.
Variant type: single nucleotide variant.
Coding change: c.79976G>C on transcript NM_001267550.2 (MANE Select); coding-DNA position 79976, G replaced by C.
Protein change: p.Gly26659Ala; replaces glycine 26659 with alanine.
Molecular consequence: missense variant.
Genome position (GRCh38, 1-based): chr2:178,566,156, C>G on the plus strand (G>C on the coding strand, the complement: TTN is on the minus strand). VCF-style: chr2-178566156-C-G. GRCh37 (hg19) VCF-style: chr2-179430883-C-G.
Other names: c.75053G>C, p.Gly25018Ala (NM_001256850.1); c.52781G>C, p.Gly17594Ala (NM_003319.4); c.72272G>C, p.Gly24091Ala (NM_133378.4); c.53156G>C, p.Gly17719Ala (NM_133432.3); c.53357G>C, p.Gly17786Ala (NM_133437.4); short protein forms G24091A, G17594A, G17719A, G26659A, G17786A, G25018A.
Identifiers: ClinVar variation 668468 (VCV000668468.31), dbSNP rs574711878, ClinGen allele CA60989564.

ClinVar aggregate classification (germline): Conflicting classifications of pathogenicity. Review status: criteria provided, conflicting classifications (1 of 4 stars). 3 submissions from 3 submitters: Uncertain significance (1); Likely benign (2). Last evaluated 2025-05-01.

Allele frequency attached by ClinVar (database versions not stated): TOPMed below 0.00001; gnomAD 0.00001; gnomAD exomes 0.00001.

Submissions (3):

CeGaT Center for Human Genetics Tuebingen
Classification: Uncertain significance. Last evaluated: 2025-05-01. Review status: criteria provided, single submitter. Criteria: CeGaT Center For Human Genetics Tuebingen Variant Classification Criteria Version 2. Collection method: clinical testing. Allele origin: germline. Affected: yes. Observed: 1 variant allele.
Comment: TTN: PM2

Blueprint Genetics
Classification: Likely benign. Last evaluated: 2022-08-11. Review status: criteria provided, single submitter. Criteria: ACMG Guidelines, 2015. Collection method: clinical testing. Allele origin: germline.

GeneDx
Classification: Likely benign. Last evaluated: 2018-05-14. Review status: criteria provided, single submitter. Criteria: GeneDx Variant Classification (06012015). Collection method: clinical testing. Allele origin: germline. Affected: yes.
Comment: This variant is considered likely benign or benign based on one or more of the following criteria: it is a conservative change, it occurs at a poorly conserved position in the protein, it is predicted to be benign by multiple in silico algorithms, and/or has population frequency not consistent with disease.